The following is an entry in ClinVar:

NM_006206.6(PDGFRA):c.691A>T (p.Ile231Phe)

Gene: PDGFRA (platelet derived growth factor receptor alpha; plus strand). Cytogenetic location: 4q12.
Variant type: single nucleotide variant.
Coding change: c.691A>T on transcript NM_006206.6 (MANE Select); coding-DNA position 691, A replaced by T.
Protein change: p.Ile231Phe; replaces isoleucine 231 with phenylalanine.
Molecular consequence: missense variant.
Genome position (GRCh38, 1-based): chr4:54,264,981, A>T. VCF-style: chr4-54264981-A-T. GRCh37 (hg19) VCF-style: chr4-55131148-A-T.
Other names: c.691A>T, p.Ile231Phe (NM_001347827.2, NM_001347829.2); c.766A>T, p.Ile256Phe (NM_001347828.2); c.730A>T, p.Ile244Phe (NM_001347830.2); short protein forms I231F, I244F, I256F.
Identifiers: ClinVar variation 4134003 (VCV004134003.1).

ClinVar aggregate classification (germline): Uncertain significance (1 of 4 stars; one submission).

Conditions:
Hereditary cancer-predisposing syndrome. Also called: Hereditary neoplastic syndrome; Neoplastic Syndromes, Hereditary; Tumor predisposition; Hereditary Cancer Syndrome. Identifiers: Orphanet 140162, MedGen C0027672, MeSH D009386, MONDO:0015356.

Submission:

Ambry Genetics
Classification: Uncertain significance for Hereditary cancer-predisposing syndrome. Last evaluated: 2025-08-21. Review status: criteria provided, single submitter. Criteria: Ambry Variant Classification Scheme 2023. Collection method: clinical testing. Allele origin: germline.
Comment: The p.I231F variant (also known as c.691A>T), located in coding exon 4 of the PDGFRA gene, results from an A to T substitution at nucleotide position 691. The isoleucine at codon 231 is replaced by phenylalanine, an amino acid with highly similar properties. This amino acid position is well conserved in available vertebrate species. In addition, this alteration is predicted to be tolerated by in silico analysis. Based on the available evidence, the clinical significance of this variant remains unclear.